The following is an entry in ClinVar:

NM_000266.4(NDP):c.391T>C (p.Cys131Arg)

Genes: NDP (norrin cystine knot growth factor NDP; minus strand), NDP-AS1 (NDP antisense RNA 1; plus strand). Cytogenetic location: Xp11.3.
Variant type: single nucleotide variant.
Coding change: c.391T>C on transcript NM_000266.4 (MANE Select); coding-DNA position 391, T replaced by C.
Protein change: p.Cys131Arg; replaces cysteine 131 with arginine.
Molecular consequence: missense variant. On other transcripts: non-coding transcript variant (1).
Genome position (GRCh38, 1-based): chrX:43,949,810, A>G on the plus strand (T>C on the coding strand, the complement: NDP is on the minus strand). VCF-style: chrX-43949810-A-G. GRCh37 (hg19) VCF-style: chrX-43809056-A-G.
Other names: short protein forms C131R.
Identifiers: ClinVar variation 4688395 (VCV004688395.1).

ClinVar aggregate classification (germline): Uncertain significance (1 of 4 stars; one submission).

Submission:

Women's Health and Genetics/Laboratory Corporation of America, LabCorp
Classification: Uncertain significance. Last evaluated: 2025-12-11. Review status: criteria provided, single submitter. Criteria: LabCorp Variant Classification Summary - May 2015. Collection method: clinical testing. Allele origin: germline.
Comment: Variant summary: NDP c.391T>C (p.Cys131Arg) results in a non-conservative amino acid change in the encoded protein sequence. Algorithms developed to predict the effect of missense changes on protein structure and function all suggest that this variant is likely to be disruptive. The variant was absent in 127175 control chromosomes. The available data on variant occurrences in the general population are insufficient to allow any conclusion about variant significance. To our knowledge, no occurrence of c.391T>C in individuals affected with NDP-related conditions and no experimental evidence demonstrating its impact on protein function have been reported. No submitters have cited clinical-significance assessments for this variant to ClinVar. Based on the evidence outlined above, the variant was classified as uncertain significance.